The following is an entry in ClinVar:

ClinVar aggregate classification (germline): Uncertain significance (1 of 4 stars; one submission).

Conditions:
Hypophosphatasia. Also called: Phosphoethanol-aminuria. Identifiers: Orphanet 436, MedGen C0020630, MeSH D007014, MONDO:0018570.

Submission:

Genomenon, Inc
Classification: Uncertain significance for Hypophosphatasia. Last evaluated: 2026-09-01. Review status: criteria provided, single submitter. Criteria: Genomenon Sequence Variant Interpretation Standards - Updated. Collection method: curation. Allele origin: germline. Affected: yes.
Comment: ALPL p.Tyr101Asp (c.301T>G) is a missense variant that changes the amino acid at codon 101 from Tyrosine to Aspartic acid. This variant has been observed in at least one proband affected with an ALPL-related disorder (PMID:29405938). It is absent or not present at a significant frequency in gnomAD. In silico models predict that this variant is possibly or probably damaging. In conclusion, we classify ALPL p.Tyr101Asp (c.301T>G) as a variant of uncertain significance.

Literature cited by the submitters: PubMed 29405938.

NM_000478.6(ALPL):c.301T>G (p.Tyr101Asp)

Gene: ALPL (alkaline phosphatase, biomineralization associated; plus strand). Cytogenetic location: 1p36.12.
Variant type: single nucleotide variant.
Coding change: c.301T>G on transcript NM_000478.6 (MANE Select); coding-DNA position 301, T replaced by G.
Protein change: p.Tyr101Asp; replaces tyrosine 101 with aspartic acid.
Molecular consequence: missense variant.
Genome position (GRCh38, 1-based): chr1:21,563,113, T>G. VCF-style: chr1-21563113-T-G. GRCh37 (hg19) VCF-style: chr1-21889606-T-G.
Other names: c.136T>G, p.Tyr46Asp (NM_001127501.4); c.70T>G, p.Tyr24Asp (NM_001177520.3); c.301T>G, p.Tyr101Asp (NM_001369803.2, NM_001369804.2, NM_001369805.2); short protein forms Y101D, Y24D, Y46D.
Identifiers: ClinVar variation 4086928 (VCV004086928.2).